The following is an entry in ClinVar:

NM_004787.4(SLIT2):c.2212G>A (p.Val738Ile)

Gene: SLIT2 (slit guidance ligand 2; plus strand). Cytogenetic location: 4p15.31.
Variant type: single nucleotide variant.
Coding change: c.2212G>A on transcript NM_004787.4 (MANE Select); coding-DNA position 2212, G replaced by A.
Protein change: p.Val738Ile; replaces valine 738 with isoleucine.
Molecular consequence: missense variant.
Genome position (GRCh38, 1-based): chr4:20,542,562, G>A. VCF-style: chr4-20542562-G-A. GRCh37 (hg19) VCF-style: chr4-20544185-G-A.
Other names: c.2200G>A, p.Val734Ile (NM_001289135.3); c.2188G>A, p.Val730Ile (NM_001289136.3); c.2212G>A (NM_004787.1); short protein forms V738I, V734I, V730I.
Identifiers: ClinVar variation 2177252 (VCV002177252.5), dbSNP rs781129571, ClinGen allele CA2871731.
Genomic context (GRCh38, chr4:20,542,562, plus strand): 5'-GACAATAGTTGCTCCCCACTTTCTCGCTGTCCTACTGAATGTACTTGCTTGGATACAGTC[G>A]TCCGATGTAGCAACAAGGGTTTGAAGGTCTTGCCGAAAGGTATTCCAAGAGATGTCACAG-3'
Protein context (NP_004778.1, residues 728-748): PTECTCLDTV[Val738Ile]RCSNKGLKVL

ClinVar aggregate classification (germline): Uncertain significance. Review status: criteria provided, multiple submitters, no conflicts (2 of 4 stars). 2 submissions from 2 submitters: Uncertain significance (2). Last evaluated 2025-08-31.

Allele frequency attached by ClinVar (database versions not stated): gnomAD 0.00003; ExAC 0.00004.
gnomAD v4.1: 27 of 1,613,646 alleles (0.0017%); highest among the groups gnomAD compares: Admixed American, 0.015%; no homozygotes.

Submissions (2):

Labcorp Genetics (formerly Invitae), Labcorp
Classification: Uncertain significance. Last evaluated: 2025-08-31. Review status: criteria provided, single submitter. Criteria: Invitae Variant Classification Sherloc (09022015). Collection method: clinical testing. Allele origin: germline.
Comment: This sequence change replaces valine, which is neutral and non-polar, with isoleucine, which is neutral and non-polar, at codon 738 of the SLIT2 protein (p.Val738Ile). This variant is present in population databases (rs781129571, gnomAD 0.03%). This variant has not been reported in the literature in individuals affected with SLIT2-related conditions. ClinVar contains an entry for this variant (Variation ID: 2177252). An algorithm developed to predict the effect of missense changes on protein structure and function (PolyPhen-2) suggests that this variant is likely to be disruptive. In summary, the available evidence is currently insufficient to determine the role of this variant in disease. Therefore, it has been classified as a Variant of Uncertain Significance.

Ambry Genetics
Classification: Uncertain significance. Last evaluated: 2025-08-09. Review status: criteria provided, single submitter. Criteria: Ambry Variant Classification Scheme 2023. Collection method: clinical testing. Allele origin: germline.